The following is an entry in ClinVar:

ClinVar aggregate classification (germline): Uncertain significance (1 of 4 stars; one submission).

Allele frequency attached by ClinVar (database versions not stated): gnomAD exomes below 0.00001; gnomAD 0.00003.
gnomAD v4.1: 5 of 1,609,348 alleles (0.00031%); highest among the groups gnomAD compares: African/African-American, 0.0068%; no homozygotes.

Submission:

Labcorp Genetics (formerly Invitae), Labcorp
Classification: Uncertain significance. Last evaluated: 2022-04-18. Review status: criteria provided, single submitter. Criteria: Invitae Variant Classification Sherloc (09022015). Collection method: clinical testing. Allele origin: germline.
Comment: This sequence change replaces phenylalanine, which is neutral and non-polar, with leucine, which is neutral and non-polar, at codon 746 of the PDE2A protein (p.Phe746Leu). This variant is present in population databases (no rsID available, gnomAD 0.03%). In summary, the available evidence is currently insufficient to determine the role of this variant in disease. Therefore, it has been classified as a Variant of Uncertain Significance. Algorithms developed to predict the effect of missense changes on protein structure and function (SIFT, PolyPhen-2, Align-GVGD) all suggest that this variant is likely to be tolerated. This variant has not been reported in the literature in individuals affected with PDE2A-related conditions.

NM_002599.5(PDE2A):c.2238T>G (p.Phe746Leu)

Gene: PDE2A (phosphodiesterase 2A; minus strand). Cytogenetic location: 11q13.4.
Variant type: single nucleotide variant.
Coding change: c.2238T>G on transcript NM_002599.5 (MANE Select); coding-DNA position 2238, T replaced by G.
Protein change: p.Phe746Leu; replaces phenylalanine 746 with leucine.
Molecular consequence: missense variant.
Genome position (GRCh38, 1-based): chr11:72,579,552, A>C on the plus strand (T>G on the coding strand, the complement: PDE2A is on the minus strand). VCF-style: chr11-72579552-A-C. GRCh37 (hg19) VCF-style: chr11-72290596-A-C.
Other names: c.2217T>G, p.Phe739Leu (NM_001143839.4); c.2211T>G, p.Phe737Leu (NM_001146209.3); c.2175T>G, p.Phe725Leu (NM_001243784.2); short protein forms F725L, F746L, F739L, F737L.
Identifiers: ClinVar variation 2094340 (VCV002094340.4), dbSNP rs1488072965, ClinGen allele CA381750667.
Genomic context (GRCh38, chr11:72,579,552, plus strand): 5'-CCAGCTCCCCCTCAATCCCCACCCCACCCCCAACCCCATCACCTTCCGGGAGAAATGATC[A>C]AAGATGTTGCAGCCGTGGGTGTTGAGGATGGCGATGGCCTGAGCAAAGTGGTGCCTCTGG-3'
Protein context (NP_002590.1, residues 736-756): AILNTHGCNI[Phe746Leu]DHFSRKDYQR